The following is an entry in ClinVar:

ClinVar aggregate classification (germline): Uncertain significance. Review status: criteria provided, multiple submitters, no conflicts (2 of 4 stars). 3 submissions from 3 submitters: Uncertain significance (3). Last evaluated 2023-08-27.

Conditions:
Charcot-Marie-Tooth disease dominant intermediate B (CMTDIB). Also called: CHARCOT-MARIE-TOOTH NEUROPATHY, DOMINANT INTERMEDIATE B; Charcot-Marie-Tooth disease dominant intermediate 1; CMT DI1; Charcot-Marie-Tooth disease dominant intermediate I. Identifiers: Orphanet 100044, Orphanet 228179, MedGen C1847902, MONDO:0011674, OMIM 606482.

Allele frequency attached by ClinVar (database versions not stated): TOPMed below 0.00001; gnomAD 0.00001; ExAC 0.00002; gnomAD exomes 0.00002.
gnomAD v4.1: 23 of 1,614,066 alleles (0.0014%); highest among the groups gnomAD compares: South Asian, 0.023%; no homozygotes.

Submissions (3):

Labcorp Genetics (formerly Invitae), Labcorp
Classification: Uncertain significance for Charcot-Marie-Tooth disease dominant intermediate B. Last evaluated: 2023-08-27. Review status: criteria provided, single submitter. Criteria: Invitae Variant Classification Sherloc (09022015). Collection method: clinical testing. Allele origin: germline.
Comment: In summary, the available evidence is currently insufficient to determine the role of this variant in disease. Therefore, it has been classified as a Variant of Uncertain Significance. Advanced modeling of protein sequence and biophysical properties (such as structural, functional, and spatial information, amino acid conservation, physicochemical variation, residue mobility, and thermodynamic stability) has been performed at Invitae for this missense variant, however the output from this modeling did not meet the statistical confidence thresholds required to predict the impact of this variant on DNM2 protein function. ClinVar contains an entry for this variant (Variation ID: 2440961). This variant has not been reported in the literature in individuals affected with DNM2-related conditions. This variant is present in population databases (rs760694871, gnomAD 0.02%). This sequence change replaces lysine, which is basic and polar, with arginine, which is basic and polar, at codon 571 of the DNM2 protein (p.Lys571Arg).

Neuberg Centre For Genomic Medicine, NCGM
Classification: Uncertain significance for Charcot-Marie-Tooth disease dominant intermediate B. Last evaluated: 2023-05-20. Review status: criteria provided, single submitter. Criteria: ACMG Guidelines, 2015. Collection method: clinical testing. Allele origin: germline. Inheritance: Autosomal dominant inheritance. Affected: yes.
Comment: The observed missense variant c.1712A>G(p.Lys571Arg) in DNM2 gene has not been reported previously as a pathogenic variant nor as a benign variant, to our knowledge. The c.1712A>G variant has 0.002% allele frequency in gnomAD Exomes.This variant has been reported to the ClinVar database as Uncertain Significance. However, no details are available for independent assessment. The amino acid Lysine at position 571 is changed to a Arginine changing protein sequence and it might alter its composition and physico-chemical properties. Computational evidence (Polyphen-Benign, SIFT-Tolerated and Mutation Taster-Disease causing) predicts conflicting evidence on protein structure and function for this variant.The reference amino acid p.Lys571Arg in DNM2 is predicted as conserved by GERP++ and PhyloP across 100 vertebrates. For these reasons, this variant has been classified as Uncertain Significance.

Revvity Omics, Revvity
Classification: Uncertain significance. Last evaluated: 2020-11-11. Review status: criteria provided, single submitter. Criteria: ACMG Guidelines, 2015. Collection method: clinical testing. Allele origin: germline.

NM_001005361.3(DNM2):c.1712A>G (p.Lys571Arg)

Gene: DNM2 (dynamin 2; plus strand). Cytogenetic location: 19p13.2.
Variant type: single nucleotide variant.
Coding change: c.1712A>G on transcript NM_001005361.3 (MANE Select); coding-DNA position 1712, A replaced by G.
Protein change: p.Lys571Arg; replaces lysine 571 with arginine.
Molecular consequence: missense variant.
Genome position (GRCh38, 1-based): chr19:10,820,020, A>G. VCF-style: chr19-10820020-A-G. GRCh37 (hg19) VCF-style: chr19-10930696-A-G.
Other names: c.1712A>G, p.Lys571Arg (NM_001005360.3, NM_001190716.2); c.1700A>G, p.Lys567Arg (NM_001005362.3, NM_004945.4); short protein forms K567R, K571R.
Identifiers: ClinVar variation 2440961 (VCV002440961.9), dbSNP rs760694871, ClinGen allele CA9201381.